The following is an entry in ClinVar:

NM_014806.5(RUSC2):c.4512_4517del (p.1504TP[1])

Gene: RUSC2 (RUN and SH3 domain containing 2; plus strand). Cytogenetic location: 9p13.3.
Variant type: Deletion.
Coding change: c.4512_4517del on transcript NM_014806.5 (MANE Select); coding-DNA positions 4512 to 4517, 6 bases deleted (CCCAAC; older notation c.4512_4517delCCCAAC).
Protein change: p.1504TP[1].
Molecular consequence: inframe deletion. On other transcripts: non-coding transcript variant (1).
Genome position (GRCh38, 1-based): chr9:35,561,343-35,561,348, CCCAAC deleted; deleting any 6 consecutive bases within chr9:35,561,341-35,561,348 gives the same sequence; the c. name uses the placement nearest the transcript's 3' end. VCF-style (leftmost placement, unchanged base first): chr9-35561340-GACCCCA-G. GRCh37 (hg19) VCF-style: chr9-35561337-GACCCCA-G.
Other names: c.4512_4517del, p.1504TP[1] (NM_001135999.2); c.1878_1883del, p.626TP[1] (NM_001330740.2).
Identifiers: ClinVar variation 1482328 (VCV001482328.9), dbSNP rs2131709809, ClinGen allele CA2573144617.

ClinVar aggregate classification (germline): Uncertain significance (1 of 4 stars; one submission).

Submission:

Labcorp Genetics (formerly Invitae), Labcorp
Classification: Uncertain significance. Last evaluated: 2021-02-19. Review status: criteria provided, single submitter. Criteria: Invitae Variant Classification Sherloc (09022015). Collection method: clinical testing. Allele origin: germline.
Comment: This variant, c.4512_4517del, results in the deletion of 2 amino acid(s) of the RUSC2 protein (p.Thr1506_Pro1507del), but otherwise preserves the integrity of the reading frame. This variant is not present in population databases (ExAC no frequency). In summary, the available evidence is currently insufficient to determine the role of this variant in disease. Therefore, it has been classified as a Variant of Uncertain Significance. Experimental studies and prediction algorithms are not available or were not evaluated, and the functional significance of this variant is currently unknown. This variant has not been reported in the literature in individuals with RUSC2-related conditions.